The following continues an entry in ClinVar:

NM_000492.4(CFTR):c.1040G>A (p.Arg347His)

Gene: CFTR. ClinVar aggregate classification (germline): Pathogenic. Pathogenic (1).

Submissions 9 to 26 of 26:

Quest Diagnostics Nichols Institute San Juan Capistrano
Classification: Pathogenic. Last evaluated: 2024-08-15. Review status: criteria provided, single submitter. Criteria: Quest Diagnostics criteria. Collection method: clinical testing. Allele origin: unknown. Not counted in ClinVar's aggregate classification.
Comment: The CFTR c.1040G>A (p.Arg347His) variant has been reported in the published literature in individuals with cystic fibrosis (PMID: 1284538 (1992), 15371902 (2004), 19652440 (2009)), Congenital bilateral absence of the vas deferens (CBAVD) (PMID: 22483971 (2012)), and pancreatitis (PMID: 22658665 (2012)). Assessment of experimental evidence suggests this variant results in abnormal protein function (PMID: 23891399 (2014), 23974870 (2013)). The frequency of this variant in the general population, 0.000039 (5/128898 chromosomes (Genome Aggregation Database)), is uninformative in the assessment of its pathogenicity. Analysis of this variant using bioinformatics tools for the prediction of the effect of amino acid changes on protein structure and function yielded predictions that this variant is damaging. Based on the available information, this variant is classified as pathogenic.

ARUP Laboratories, Molecular Genetics and Genomics, ARUP Laboratories
Classification: Pathogenic for Cystic fibrosis; Bronchiectasis with or without elevated sweat chloride 1; Hereditary pancreatitis; Congenital bilateral aplasia of vas deferens from CFTR mutation. Last evaluated: 2024-05-23. Review status: criteria provided, single submitter. Criteria: ARUP Molecular Germline Variant Investigation Process 2024. Collection method: clinical testing. Allele origin: germline. Not counted in ClinVar's aggregate classification.
Comment: The CFTR c.1040G>A; p.Arg347His variant (rs77932196, ClinVar Variation ID: 7182), is reported in the literature in multiple individuals affected with the pancreatic sufficient form of cystic fibrosis (Cremonesi 1992, Gallati 2009, Ooi 2012). The variant has also been reported in a compound heterozygous state in individuals with pancreatic insufficiency (de Gracia 2005, Izumikawa 2009) or congenital bilateral absence of vas deferens (Campbell 2023, Culard 1994, Li 2012, Steiner 2011, Ravnik-Glavac 2000). This variant is found in the general population with an overall allele frequency of 0.0025% (7/282514 alleles) in the Genome Aggregation Database (v2.1.1). Additionally, other variants at this codon (c.1040G>C; p.Arg347Pro, c.1040G>T; p.Arg347Leu) have been reported in individuals with cystic fibrosis and are considered pathogenic (Audrezet 2004, Ooi 2012, Sosnay 2013, Van Goor 2014). Functional analyses of the variant protein shows a reduction of chloride transport activity (Anderson 1991, Clain 2001, Sheppard 1993, Smith 2001, Sosnay 2013, Van Goor 2014). Computational analyses predict that this variant is deleterious (REVEL: 0.885). Based on available information, this variant is considered to be pathogenic with varying clinical consequences. References: Anderson MP et al. Demonstration that CFTR is a chloride channel by alteration of its anion selectivity. Science. 1991 Jul 12;253(5016):202-5. PMID: 1712984. Audrezet MP et al. Genomic rearrangements in the CFTR gene: extensive allelic heterogeneity and diverse mutational mechanisms. Hum Mutat. 2004 Apr;23(4):343-57. PMID: 15024729. Campbell K et al. Whole Exome Sequencing Identifies a Rare CFTR Mutation in Brothers With Anomalies of the Vas Deferens: A Case Study. Urology. 2023 May;175:74-76. PMID: 36858322. Clain J et al. Two mild cystic fibrosis-associated mutations result in severe cystic fibrosis when combined in cis and reveal a residue important for cystic fibrosis transmembrane conductance regulator processing and function. J Biol Chem. 2001 Mar 23;276(12):9045-9. PMID: 11118444. Cremonesi L et al. Four new mutations of the CFTR gene (541delC, R347H, R352Q, E585X) detected by DGGE analysis in Italian CF patients, associated with different clinical phenotypes. Hum Mutat. 1992 1(4):314-9. PMID: 1284538. Culard JF et al. Analysis of the whole CFTR coding regions and splice junctions in azoospermic men with congenital bilateral aplasia of epididymis or vas deferens. Hum Genet. 1994 Apr;93(4):467-70. PMID: 7513294. de Gracia J et al. Genotype-phenotype correlation for pulmonary function in cystic fibrosis. Thorax. 2005 Jul;60(7):558-63. PMID: 15994263. Gallati S et al. Cystic fibrosis transmembrane conductance regulator mutations in azoospermic and oligospermic men and their partners. Reprod Biomed Online. 2009 19(5):685-94. PMID: 20021716. Izumikawa K et al. Unique mutations of the cystic fibrosis transmembrane conductance regulator gene of three cases of cystic fibrosis in Nagasaki, Japan. Intern Med. 2009;48(15):1327-31. PMID: 19652440 Li H et al. Mutations in the cystic fibrosis transmembrane conductance regulator (CFTR) in Chinese patients with congenital bilateral absence of vas deferens. J Cyst Fibros. 2012 Jul;11(4):316-23. PMID: 22483971. Ooi et al. Cystic fibrosis transmembrane conductance regulator (CFTR) gene mutations in pancreatitis. J Cyst Fibros. 2012 11(5):355-62. PMID: 22658665. Ravnik-Glavac M et al. Study of mutant and polyvariant mutant CFTR genes in patients with congenital absence of the vas deferens. Pflugers Arch. 2000;439(3 Suppl):R53-5. PMID: 10653141. Sheppard DN et al. Mutations in CFTR associated with mild-disease-form Cl- channels with altered pore properties. Nature. 1993 Mar 11;362(6416):160-4. PMID: 7680769. Smith SS et al. CFTR: covalent and noncovalent modification suggests a role for fixed charges in anion conduction. J Gen Physiol. 2001 Oct;118(4):407-31. PMID: 11585852. Sosnay PR et al. Defining the disease liability of variants in the cystic fibrosis transmembrane conductance regulator gene. Nat Genet. 2013 45(10):1160-7. PMID: 23974870. Steiner B et al. Common CFTR haplotypes and susceptibility to chronic pancreatitis and congenital bilateral absence of the vas deferens. Hum Mutat. 2011 Aug;32(8):912-20. PMID: 21520337. Van Goor F et al. Effect of ivacaftor on CFTR forms with missense mutations associated with defects in protein processing or function. J Cyst Fibros. 2014 13(1):29-36. PMID: 23891399.

Mayo Clinic Laboratories, Mayo Clinic
Classification: Pathogenic. Last evaluated: 2024-05-10. Review status: criteria provided, single submitter. Criteria: ACMG Guidelines, 2015. Collection method: clinical testing. Allele origin: germline. Not counted in ClinVar's aggregate classification.

Baylor Genetics
Classification: Pathogenic for Bronchiectasis with or without elevated sweat chloride 1. Last evaluated: 2024-03-22. Review status: criteria provided, single submitter. Criteria: ACMG Guidelines, 2015. Collection method: clinical testing. Allele origin: unknown. Not counted in ClinVar's aggregate classification.

Fulgent Genetics
Classification: Pathogenic for Hereditary pancreatitis; Bronchiectasis with or without elevated sweat chloride 1; Cystic fibrosis; Congenital bilateral aplasia of vas deferens from CFTR mutation. Last evaluated: 2024-03-13. Review status: criteria provided, single submitter. Criteria: ACMG Guidelines, 2015. Collection method: clinical testing. Allele origin: germline. Not counted in ClinVar's aggregate classification.

Blueprint Genetics
Classification: Pathogenic for CFTR-related disorders. Last evaluated: 2023-12-06. Review status: criteria provided, single submitter. Criteria: ACMG Guidelines, 2015. Collection method: clinical testing. Allele origin: germline. Affected: yes. Observed: 4 variant alleles. Not counted in ClinVar's aggregate classification.

CeGaT Center for Human Genetics Tuebingen
Classification: Pathogenic. Last evaluated: 2022-08-01. Review status: criteria provided, single submitter. Criteria: CeGaT Center For Human Genetics Tuebingen Variant Classification Criteria Version 2. Collection method: clinical testing. Allele origin: germline. Affected: yes. Observed: 1 variant allele. Not counted in ClinVar's aggregate classification.
Comment: CFTR: PM3:Very Strong, PM2, PM5, PP3

Myriad Genetics, Inc.
Classification: Pathogenic for Cystic fibrosis. Last evaluated: 2019-11-20. Review status: criteria provided, single submitter. Criteria: Myriad Women's Health Autosomal Recessive and X-Linked Classification Criteria (2019). Collection method: clinical testing. Allele origin: unknown. Not counted in ClinVar's aggregate classification.
Comment: NM_000492.3(CFTR):c.1040G>A(R347H) is classified as pathogenic in the context of cystic fibrosis and is associated with the non-classic form of disease. Sources cited for classification include the following: PMID 23974870. Classification of NM_000492.3(CFTR):c.1040G>A(R347H) is based on the following criteria: This is a well-established pathogenic variant in the literature that has been observed more frequently in patients with clinical diagnoses than in healthy populations. Please note: this variant was assessed in the context of healthy population screening.

Mendelics
Classification: Pathogenic for Cystic fibrosis. Last evaluated: 2018-11-05. Review status: criteria provided, single submitter. Criteria: Mendelics Assertion Criteria 2017. Collection method: clinical testing. Allele origin: unknown. Affected: yes. Not counted in ClinVar's aggregate classification.

CFTR-France
Classification: Pathogenic for cystic fibrosis; CFTR-related disorders. Last evaluated: 2018-01-29. Review status: criteria provided, single submitter. Criteria: Claustres M et al. (Hum Mutat 2017). Collection method: curation. Allele origin: germline. Affected: yes and no. Not counted in ClinVar's aggregate classification.
Comment: when the variant is in trans with another CF-causing variation, can either result in CF or in a CFTR-RD

Center for Pediatric Genomic Medicine, Children's Mercy Hospital and Clinics
Classification: Pathogenic. Last evaluated: 2015-04-06. Review status: criteria provided, single submitter. Criteria: ACMG Guidelines, 2015. Collection method: clinical testing. Allele origin: germline. Not counted in ClinVar's aggregate classification.

Baylor Genetics
Classification: Pathogenic for Congenital bilateral aplasia of vas deferens from CFTR mutation; Cystic fibrosis. Review status: criteria provided, single submitter. Criteria: ACMG Guidelines, 2015. Collection method: clinical testing. Allele origin: germline. Not counted in ClinVar's aggregate classification.

PreventionGenetics, part of Exact Sciences
Classification: Pathogenic for CFTR-related condition. Last evaluated: 2024-01-31. Review status: no assertion criteria provided. Collection method: clinical testing. Allele origin: germline. Not counted in ClinVar's aggregate classification.
Comment: The CFTR c.1040G>A variant is predicted to result in the amino acid substitution p.Arg347His. This variant has been repeatedly documented to cause cystic fibrosis (see, for example, Cremonesi et al. 1992. PubMed ID: 1284538; Sosnay et al. 2013. PubMed ID: 23974870). This variant is reported in 0.0039% of alleles in individuals of European (Non-Finnish) descent in gnomAD. This variant is interpreted as pathogenic.

OMIM
Classification: Pathogenic for CYSTIC FIBROSIS. Last evaluated: 2018-04-09. Review status: no assertion criteria provided. Collection method: literature only. Allele origin: germline. Not counted in ClinVar's aggregate classification.

Women's Health and Genetics/Laboratory Corporation of America, LabCorp
Classification: Pathogenic for Cystic Fibrosis. Last evaluated: 2015-04-06. Review status: no assertion criteria provided. Collection method: clinical testing. Allele origin: germline. Not counted in ClinVar's aggregate classification.

Diagnostic Laboratory, Department of Genetics, University Medical Center Groningen
Classification: Pathogenic. Review status: no assertion criteria provided. Collection method: clinical testing. Allele origin: germline. Affected: yes. Study: VKGL Data-share Consensus. Not counted in ClinVar's aggregate classification.

Genome Diagnostics Laboratory, Amsterdam University Medical Center
Classification: Pathogenic. Review status: no assertion criteria provided. Collection method: clinical testing. Allele origin: germline. Affected: yes. Study: VKGL Data-share Consensus. Not counted in ClinVar's aggregate classification.

Joint Genome Diagnostic Labs from Nijmegen and Maastricht, Radboudumc and MUMC+
Classification: Likely pathogenic. Review status: no assertion criteria provided. Collection method: clinical testing. Allele origin: germline. Affected: yes. Study: VKGL Data-share Consensus. Not counted in ClinVar's aggregate classification.

Literature cited by the submitters: PubMed 15371902 (cited by Labcorp Genetics (formerly Invitae), Labcorp and Quest Diagnostics Nichols Institute San Juan Capistrano); PubMed 23974870 (cited by 5 submitters); PubMed 2344617 (cited by 3 submitters); PubMed 7683952 (cited by Labcorp Genetics (formerly Invitae), Labcorp); PubMed 1284538 (cited by 3 submitters); PubMed 9550362 (cited by Ambry Genetics); PubMed 11118444 (cited by Ambry Genetics); PubMed 29503250 (cited by Ambry Genetics); PubMed 28603918 (cited by 3billion); PubMed 27728908 (cited by Natera, Inc.); PubMed 25583415 (cited by Natera, Inc.); PubMed 30888834 (cited by Natera, Inc.); PubMed 23891399 (cited by Dasa and Quest Diagnostics Nichols Institute San Juan Capistrano); PubMed 1723032 (cited by Dasa); PubMed 12400067 (cited by Dasa); PubMed 10376575 (cited by Dasa); PubMed 18456578 (cited by Quest Diagnostics Nichols Institute San Juan Capistrano); PubMed 19652440 (cited by Quest Diagnostics Nichols Institute San Juan Capistrano); PubMed 21520337 (cited by Quest Diagnostics Nichols Institute San Juan Capistrano); PubMed 22483971 (cited by Quest Diagnostics Nichols Institute San Juan Capistrano); PubMed 22658665 (cited by Quest Diagnostics Nichols Institute San Juan Capistrano); PubMed 29261177 (cited by Quest Diagnostics Nichols Institute San Juan Capistrano); PubMed 31036917 (cited by Quest Diagnostics Nichols Institute San Juan Capistrano); PubMed 31589614 (cited by Quest Diagnostics Nichols Institute San Juan Capistrano); PubMed 15024729 (cited by OMIM).